The following is an entry in ClinVar:

ClinVar aggregate classification (germline): Uncertain significance (1 of 4 stars; one submission).

Submission:

Labcorp Genetics (formerly Invitae), Labcorp
Classification: Uncertain significance. Last evaluated: 2022-07-20. Review status: criteria provided, single submitter. Criteria: Invitae Variant Classification Sherloc (09022015). Collection method: clinical testing. Allele origin: germline.
Comment: This sequence change replaces serine, which is neutral and polar, with leucine, which is neutral and non-polar, at codon 121 of the GRIN2D protein (p.Ser121Leu). This variant is not present in population databases (gnomAD no frequency). This variant has not been reported in the literature in individuals affected with GRIN2D-related conditions. Advanced modeling of protein sequence and biophysical properties (such as structural, functional, and spatial information, amino acid conservation, physicochemical variation, residue mobility, and thermodynamic stability) performed at Invitae indicates that this missense variant is not expected to disrupt GRIN2D protein function. In summary, the available evidence is currently insufficient to determine the role of this variant in disease. Therefore, it has been classified as a Variant of Uncertain Significance.

NM_000836.4(GRIN2D):c.362C>T (p.Ser121Leu)

Gene: GRIN2D (glutamate ionotropic receptor NMDA type subunit 2D; plus strand). Cytogenetic location: 19q13.33.
Variant type: single nucleotide variant.
Coding change: c.362C>T on transcript NM_000836.4 (MANE Select); coding-DNA position 362, C replaced by T.
Protein change: p.Ser121Leu; replaces serine 121 with leucine.
Molecular consequence: missense variant.
Genome position (GRCh38, 1-based): chr19:48,398,754, C>T. VCF-style: chr19-48398754-C-T. GRCh37 (hg19) VCF-style: chr19-48902011-C-T.
Other names: short protein forms S121L.
Identifiers: ClinVar variation 1715136 (VCV001715136.5), dbSNP rs2516062720, ClinGen allele CA406689069.
Genomic context (GRCh38, chr19:48,398,754, plus strand): 5'-TGCAGCTCTGCGACCTGCTGTCGGGGTTGCGCGTGCACGGCGTGGTCTTCGAAGACGACT[C>T]GCGCGCGCCCGCCGTCGCGCCCATCCTCGACTTCCTGTCGGCGCAGACCTCGCTGCCCAT-3'
Protein context (NP_000827.2, residues 111-131): RVHGVVFEDD[Ser121Leu]RAPAVAPILD